The following is an entry in ClinVar:

ClinVar aggregate classification (germline): Uncertain significance (1 of 4 stars; one submission).

Conditions:
Familial hemophagocytic lymphohistiocytosis 3 (FHL3). Also called: UNC13D-Related Familial Hemophagocytic Lymphohistiocytosis (UNC13D-fHLH). Identifiers: Orphanet 540, MedGen C1837174, MONDO:0012146, OMIM 608898.

gnomAD v4.1: 6 of 1,578,322 alleles (0.00038%); highest among the groups gnomAD compares: Non-Finnish European, 0.000086%; no homozygotes.

Submission:

Labcorp Genetics (formerly Invitae), Labcorp
Classification: Uncertain significance for Familial hemophagocytic lymphohistiocytosis 3. Last evaluated: 2023-08-04. Review status: criteria provided, single submitter. Criteria: Invitae Variant Classification Sherloc (09022015). Collection method: clinical testing. Allele origin: germline.
Comment: This variant is not present in population databases (gnomAD no frequency). In summary, the available evidence is currently insufficient to determine the role of this variant in disease. Therefore, it has been classified as a Variant of Uncertain Significance. Advanced modeling of protein sequence and biophysical properties (such as structural, functional, and spatial information, amino acid conservation, physicochemical variation, residue mobility, and thermodynamic stability) performed at Invitae indicates that this missense variant is not expected to disrupt UNC13D protein function. ClinVar contains an entry for this variant (Variation ID: 1398554). This variant has not been reported in the literature in individuals affected with UNC13D-related conditions. This sequence change replaces arginine, which is basic and polar, with glycine, which is neutral and non-polar, at codon 1065 of the UNC13D protein (p.Arg1065Gly).

NM_199242.3(UNC13D):c.3193C>G (p.Arg1065Gly)

Gene: UNC13D (unc-13 homolog D; minus strand). Cytogenetic location: 17q25.1.
Variant type: single nucleotide variant.
Coding change: c.3193C>G on transcript NM_199242.3 (MANE Select); coding-DNA position 3193, C replaced by G.
Protein change: p.Arg1065Gly; replaces arginine 1065 with glycine.
Molecular consequence: missense variant.
Genome position (GRCh38, 1-based): chr17:75,828,045, G>C on the plus strand (C>G on the coding strand, the complement: UNC13D is on the minus strand). VCF-style: chr17-75828045-G-C. GRCh37 (hg19) VCF-style: chr17-73824126-G-C.
Other names: short protein forms R1065G.
Identifiers: ClinVar variation 1398554 (VCV001398554.4), dbSNP rs774921373, ClinGen allele CA401073748.